The following is an entry in ClinVar:

NM_025114.4(CEP290):c.6838A>T (p.Lys2280Ter)

Gene: CEP290 (centrosomal protein 290; minus strand). Cytogenetic location: 12q21.32.
Variant type: single nucleotide variant.
Coding change: c.6838A>T on transcript NM_025114.4 (MANE Select); coding-DNA position 6838, A replaced by T.
Protein change: p.Lys2280Ter; replaces lysine 2280 with a stop codon.
Molecular consequence: nonsense.
Genome position (GRCh38, 1-based): chr12:88,055,698, T>A on the plus strand (A>T on the coding strand, the complement: CEP290 is on the minus strand). VCF-style: chr12-88055698-T-A. GRCh37 (hg19) VCF-style: chr12-88449475-T-A.
Other names: short protein forms K2280*.
Identifiers: ClinVar variation 2114918 (VCV002114918.8), dbSNP rs2499472817, ClinGen allele CA385976655.
Genomic context (GRCh38, chr12:88,055,698, plus strand): 5'-CAAGCTGTTTAAGGTCAGTAATGCTTTGATTTTTTTTGGCAATATCAGTTTCCAATTCTT[T>A]TAACTTGGTTTCATACATTCTAAAAGTATAAGGAAAAAAAGTATAGACATGGCAAATAAT-3'

ClinVar aggregate classification (germline): Pathogenic/Likely pathogenic. Review status: criteria provided, multiple submitters, no conflicts (2 of 4 stars). 4 submissions from 4 submitters: Pathogenic (2); Likely pathogenic (2). Last evaluated 2024-10-16.

Conditions:
CEP290-related ciliopathy. Also called: CEP290 ciliopathy. Identifiers: MedGen CN305601, MONDO:0100451.
Joubert syndrome. Also called: JOUBERT-BOLTSHAUSER SYNDROME; Familial aplasia of the vermis. Identifiers: Orphanet 475, MedGen C5979921, MONDO:0018772.
Nephronophthisis. Also called: Juvenile Nephronophthisis. Identifiers: Orphanet 655, MedGen C0687120, MONDO:0019005, HP:0000090.
Meckel-Gruber syndrome. Also called: DYSENCEPHALIA SPLANCHNOCYSTICA; GRUBER SYNDROME; Dysencephalia splachnocystica. Identifiers: Orphanet 564, MedGen C0265215, MONDO:0018921.
Bardet-Biedl syndrome 14 (BBS14). Identifiers: Orphanet 110, MedGen C2673874, MONDO:0014442, OMIM 615991.

gnomAD v4.1: 1 of 1,532,024 alleles (0.000065%); no homozygotes.

Submissions (4):

Myriad Genetics, Inc.
Classification: Pathogenic for CEP290-related ciliopathy. Last evaluated: 2024-10-16. Review status: criteria provided, single submitter. Criteria: Myriad Autosomal Dominant, Autosomal Recessive and X-Linked Classification Criteria (2023). Collection method: clinical testing. Allele origin: unknown.
Comment: NM_025114.3(CEP290):c.6838A>T(K2280*) is expected to be pathogenic in the context of CEP290-related disorders. This variant is predicted to lead to an abnormal or absent protein product due to the creation of a premature termination codon in CEP290, a gene where loss-of-function variants are known to be pathogenic. Please note: this variant was assessed in the context of healthy population screening.

Intergen Genetics and Rare Diseases Diagnosis Center
Classification: Likely pathogenic for CEP290-related ciliopathy. Last evaluated: 2023-07-04. Review status: criteria provided, single submitter. Criteria: ACMG Guidelines, 2015. Collection method: clinical testing. Allele origin: unknown. Inheritance: Autosomal recessive inheritance. Affected: no. Observed: 1 heterozygote.

Labcorp Genetics (formerly Invitae), Labcorp
Classification: Pathogenic for Joubert syndrome; Meckel-Gruber syndrome; Nephronophthisis. Last evaluated: 2023-02-11. Review status: criteria provided, single submitter. Criteria: Invitae Variant Classification Sherloc (09022015). Collection method: clinical testing. Allele origin: germline.
Comment: This sequence change creates a premature translational stop signal (p.Lys2280*) in the CEP290 gene. It is expected to result in an absent or disrupted protein product. Loss-of-function variants in CEP290 are known to be pathogenic (PMID: 16909394, 17345604, 20690115). This variant is not present in population databases (gnomAD no frequency). This variant has not been reported in the literature in individuals affected with CEP290-related conditions. For these reasons, this variant has been classified as Pathogenic.

Baylor Genetics
Classification: Likely pathogenic for Bardet-Biedl syndrome 14. Last evaluated: 2022-02-18. Review status: criteria provided, single submitter. Criteria: ACMG Guidelines, 2015. Collection method: clinical testing. Allele origin: unknown.

Literature cited by the submitters: PubMed 16909394 (cited by Labcorp Genetics (formerly Invitae), Labcorp); PubMed 17345604 (cited by Labcorp Genetics (formerly Invitae), Labcorp); PubMed 20690115 (cited by Labcorp Genetics (formerly Invitae), Labcorp).